The following is an entry in ClinVar:

ClinVar aggregate classification (germline): Conflicting classifications of pathogenicity. Review status: criteria provided, conflicting classifications (1 of 4 stars). 2 submissions from 2 submitters: Likely pathogenic (1); Uncertain significance (1). Last evaluated 2026-04-14.

Conditions:
ATP8B1-related disorder. Also called: ATP8B1-related condition; ATP8B1-related disorders.
Familial intrahepatic cholestasis. Identifiers: Orphanet 284385, MedGen CN296401, MONDO:0017290.

Submissions (2):

Genomenon, Inc
Classification: Uncertain significance for Familial intrahepatic cholestasis. Last evaluated: 2026-04-14. Review status: criteria provided, single submitter. Criteria: Genomenon Sequence Variant Interpretation Standards - Updated. Collection method: curation. Allele origin: germline. Affected: no.
Comment: ATP8B1 p.Glu377Asp (c.1131A>C) is a missense variant that changes the amino acid at residue 377 from Glutamic acid to Aspartic acid. This variant has been reported in the published literature (PMID:37269902). It is absent or not present at a significant frequency in gnomAD. In silico models predict that this variant is not damaging. In conclusion, we classify ATP8B1 p.Glu377Asp (c.1131A>C) as a variant of uncertain significance.

Rady Children's Institute for Genomic Medicine, Rady Children's Hospital San Diego
Classification: Likely pathogenic for ATP8B1-Related Disorders. Last evaluated: 2020-08-07. Review status: criteria provided, single submitter. Criteria: ACMG Guidelines, 2015. Collection method: clinical testing. Allele origin: germline. Affected: yes.
Comment: This variant has not been previously reported or functionally characterized in the literature to our knowledge. It is absent from the gnomAD population database and thus is presumed to be rare. Analysis of the parental samples was negative for the variant, indicating this variant likely occurred as a de novo event. However, low-level parental mosaicism cannot be excluded. Based on the available evidence, the c.1131A>C (p.Glu377Asp) variant is classified as Likely Pathogenic.

Literature cited by the submitters: PubMed 37269902 (cited by Genomenon, Inc).

NM_001374385.1(ATP8B1):c.1131A>C (p.Glu377Asp)

Gene: ATP8B1 (ATPase phospholipid transporting 8B1; minus strand). Cytogenetic location: 18q21.31.
Variant type: single nucleotide variant.
Coding change: c.1131A>C on transcript NM_001374385.1 (MANE Select); coding-DNA position 1131, A replaced by C.
Protein change: p.Glu377Asp; replaces glutamic acid 377 with aspartic acid.
Molecular consequence: missense variant.
Genome position (GRCh38, 1-based): chr18:57,691,896, T>G on the plus strand (A>C on the coding strand, the complement: ATP8B1 is on the minus strand). VCF-style: chr18-57691896-T-G. GRCh37 (hg19) VCF-style: chr18-55359128-T-G.
Other names: c.981A>C, p.Glu327Asp (NM_001374386.1); c.1131A>C, p.Glu377Asp (NM_005603.6); short protein forms E327D, E377D.
Identifiers: ClinVar variation 1301889 (VCV001301889.2), dbSNP rs1194018304, ClinGen allele CA402539945.